The following is an entry in ClinVar:

NM_001184785.2(PARD3):c.2942A>G (p.Lys981Arg)

Gene: PARD3 (par-3 family cell polarity regulator; minus strand). Cytogenetic location: 10p11.21.
Variant type: single nucleotide variant.
Coding change: c.2942A>G on transcript NM_001184785.2 (MANE Select); coding-DNA position 2942, A replaced by G.
Protein change: p.Lys981Arg; replaces lysine 981 with arginine.
Molecular consequence: missense variant.
Genome position (GRCh38, 1-based): chr10:34,317,230, T>C on the plus strand (A>G on the coding strand, the complement: PARD3 is on the minus strand). VCF-style: chr10-34317230-T-C. GRCh37 (hg19) VCF-style: chr10-34606158-T-C.
Other names: c.2903A>G, p.Lys968Arg (NM_001184786.2); c.2951A>G, p.Lys984Arg (NM_001184787.2, NM_019619.4); c.2813A>G, p.Lys938Arg (NM_001184788.2, NM_001184789.2, NM_001184794.2); c.2681A>G, p.Lys894Arg (NM_001184790.2); c.2726A>G, p.Lys909Arg (NM_001184791.2); c.2942A>G, p.Lys981Arg (NM_001184792.2); c.2849A>G, p.Lys950Arg (NM_001184793.2); short protein forms K894R, K909R, K938R, K950R, K968R, K981R, K984R.
Identifiers: ClinVar variation 3053572 (VCV003053572.2), dbSNP rs200130312, ClinGen allele CA5467458.

ClinVar aggregate classification (germline): Likely benign (0 of 4 stars; one submission).

Conditions:
PARD3-related disorder. Also called: PARD3-related condition.

Allele frequency attached by ClinVar (database versions not stated): TOPMed 0.00016; gnomAD 0.00029; gnomAD exomes 0.00046; 1000 Genomes Project 0.00060; 1000 Genomes Project 30x 0.00062; ExAC 0.00077.

Submission:

PreventionGenetics, part of Exact Sciences
Classification: Likely benign for PARD3-related condition. Last evaluated: 2022-10-07. Review status: no assertion criteria provided. Collection method: clinical testing. Allele origin: germline.
Comment: This variant is classified as likely benign based on ACMG/AMP sequence variant interpretation guidelines (Richards et al. 2015 PMID: 25741868, with internal and published modifications).